The following is an entry in ClinVar:

NM_021926.4(ALX4):c.1218C>T (p.Ala406=)

Gene: ALX4 (ALX homeobox 4; minus strand). Cytogenetic location: 11p11.2.
Variant type: single nucleotide variant.
Coding change: c.1218C>T on transcript NM_021926.4 (MANE Select); coding-DNA position 1218, C replaced by T.
Protein change: p.Ala406=; no amino-acid change (alanine 406 retained).
Molecular consequence: synonymous variant.
Genome position (GRCh38, 1-based): chr11:44,264,872, G>A on the plus strand (C>T on the coding strand, the complement: ALX4 is on the minus strand). VCF-style: chr11-44264872-G-A. GRCh37 (hg19) VCF-style: chr11-44286422-G-A.
Identifiers: ClinVar variation 880253 (VCV000880253.4), dbSNP rs745849255, ClinGen allele CA5955492.

ClinVar aggregate classification (germline): Likely benign (1 of 4 stars; one submission).

Conditions:
Parietal foramina 2 (PFM2). Identifiers: Orphanet 60015, MedGen C1865044, MONDO:0012309, OMIM 609597.

Allele frequency attached by ClinVar (database versions not stated): gnomAD exomes 0.00001 and 0.00002; ExAC 0.00002; gnomAD 0.00002; TOPMed 0.00003.

Submission:

Illumina Laboratory Services, Illumina
Classification: Likely benign for Parietal foramina 2. Last evaluated: 2018-01-12. Review status: criteria provided, single submitter. Criteria: ICSL Variant Classification Criteria 13 December 2019. Collection method: clinical testing. Allele origin: germline.
Comment: This variant was observed in the ICSL laboratory as part of a predisposition screen in an ostensibly healthy population. It had not been previously curated by ICSL or reported in the Human Gene Mutation Database (HGMD: prior to June 1st, 2018), and was therefore a candidate for classification through an automated scoring system. Utilizing variant allele frequency, disease prevalence and penetrance estimates, and inheritance mode, an automated score was calculated to assess if this variant is too frequent to cause the disease. Based on the score and internal cut-off values, a variant classified as likely benign is not then subjected to further curation. The score for this variant resulted in a classification of likely benign for this disease.